The following is an entry in ClinVar:

NM_002755.4(MAP2K1):c.812T>G (p.Leu271Arg)

Gene: MAP2K1 (mitogen-activated protein kinase kinase 1; plus strand). Cytogenetic location: 15q22.31.
Variant type: single nucleotide variant.
Coding change: c.812T>G on transcript NM_002755.4 (MANE Select); coding-DNA position 812, T replaced by G.
Protein change: p.Leu271Arg; replaces leucine 271 with arginine.
Molecular consequence: missense variant.
Genome position (GRCh38, 1-based): chr15:66,485,108, T>G. VCF-style: chr15-66485108-T-G. GRCh37 (hg19) VCF-style: chr15-66777446-T-G.
Other names: short protein forms L271R.
Identifiers: ClinVar variation 496175 (VCV000496175.2), dbSNP rs1555420658, ClinGen allele CA392937269.
Genomic context (GRCh38, chr15:66,485,108, plus strand): 5'-TGTCTCTGGTAGAGATGGCGGTTGGGAGGTATCCCATCCCTCCTCCAGATGCCAAGGAGC[T>G]GGAGCTGATGTTTGGGTGCCAGGTGGAAGGAGATGCGGCTGAGACCCCACCCAGGCCAAG-3'
Protein context (NP_002746.1, residues 261-281): YPIPPPDAKE[Leu271Arg]ELMFGCQVEG

ClinVar aggregate classification (germline): Uncertain significance. Review status: criteria provided, multiple submitters, no conflicts (2 of 4 stars). 2 submissions from 2 submitters: Uncertain significance (2). Last evaluated 2023-11-05.

Submissions (2):

GeneDx
Classification: Uncertain significance. Last evaluated: 2023-11-05. Review status: criteria provided, single submitter. Criteria: GeneDx Variant Classification Process June 2021. Collection method: clinical testing. Allele origin: germline. Affected: yes.
Comment: Not observed at significant frequency in large population cohorts (gnomAD); Missense variants in this gene are a common cause of disease and they are underrepresented in the general population; In silico analysis supports that this missense variant has a deleterious effect on protein structure/function; Has not been previously published as pathogenic or benign to our knowledge; This variant is associated with the following publications: (PMID: 29493581)

Women's Health and Genetics/Laboratory Corporation of America, LabCorp
Classification: Uncertain significance. Last evaluated: 2016-12-05. Review status: criteria provided, single submitter. Criteria: LabCorp Variant Classification Summary - May 2015. Collection method: clinical testing. Allele origin: germline.
Comment: Variant summary: The MAP2K1 c.812T>G (p.Leu271Arg) variant located in the protein kinase domain (via InterPro) causes a missense change involving a conserved nucleotide, which 4/4 in silico tools (SNPs&GO not captured here due to low reliability index) predicts a "damaging" outcome, although these predictions have yet to be functionally assessed. The variant of interest was not observed in controls (ExAC, 1000 Gs, or ESP), nor has it been, to our knowledge, reported in affected individuals via publications and/or clinical diagnostic laboratories/databases. Therefore, until additional information becomes available (ie, clinical and functional studies), the variant has been classified as a "Variant of Uncertain Significance (VUS)."